The following is an entry in ClinVar:

ClinVar aggregate classification (germline): Pathogenic (1 of 4 stars; one submission).

Conditions:
Bardet-Biedl syndrome (BBS). Identifiers: Orphanet 110, MedGen C0752166, MONDO:0015229.

Allele frequency attached by ClinVar (database versions not stated): gnomAD exomes below 0.00001.

Submission:

Labcorp Genetics (formerly Invitae), Labcorp
Classification: Pathogenic for Bardet-Biedl syndrome. Last evaluated: 2023-07-26. Review status: criteria provided, single submitter. Criteria: Invitae Variant Classification Sherloc (09022015). Collection method: clinical testing. Allele origin: germline.
Comment: This sequence change creates a premature translational stop signal (p.Asp262Glyfs*8) in the BBS7 gene. It is expected to result in an absent or disrupted protein product. Loss-of-function variants in BBS7 are known to be pathogenic (PMID: 12567324, 19402160, 21209035, 31196119). This variant is not present in population databases (gnomAD no frequency). This variant has not been reported in the literature in individuals affected with BBS7-related conditions. ClinVar contains an entry for this variant (Variation ID: 2175976). For these reasons, this variant has been classified as Pathogenic.

Literature cited by the submitters: PubMed 12567324; PubMed 19402160; PubMed 21209035; PubMed 31196119.

NM_176824.3(BBS7):c.785_786del (p.Asp262fs)

Gene: BBS7 (Bardet-Biedl syndrome 7; minus strand). Cytogenetic location: 4q27.
Variant type: Deletion.
Coding change: c.785_786del on transcript NM_176824.3 (MANE Select); coding-DNA positions 785 to 786, 2 bases deleted (AT; older notation c.785_786delAT).
Protein change: p.Asp262fs; shifts the reading frame from aspartic acid 262.
Molecular consequence: frameshift variant.
Genome position (GRCh38, 1-based): chr4:121,853,019-121,853,020, AT deleted on the plus strand (AT on the coding strand, the reverse complement: BBS7 is on the minus strand). VCF-style (leftmost placement, unchanged base first): chr4-121853018-CAT-C. GRCh37 (hg19) VCF-style: chr4-122774173-CAT-C.
Other names: c.785_786del, p.Asp262fs (NM_018190.4); short protein forms D262fs.
Identifiers: ClinVar variation 2175976 (VCV002175976.4), dbSNP rs2476523240, ClinGen allele CA2580071436.